The following is an entry in ClinVar:

ClinVar aggregate classification (germline): Uncertain significance (1 of 4 stars; one submission).

Submission:

Dasa
Classification: Uncertain significance. Last evaluated: 2026-01-31. Review status: criteria provided, single submitter. Criteria: DASA Assertion Criteria. Collection method: clinical testing. Allele origin: germline.
Comment: NM_004397.6(DDX6):c.274T>G (p.Ser92Ala) is a missense variant that results in the substitution of serine with alanine. This variant is rare in population databases. Computational prediction algorithms are consistent with a benign effect. The currently available literature and clinical evidence are not sufficient to establish a definitive association between this variant and the reported condition. Therefore, this variant is classified as a variant of uncertain significance.

NM_004397.6(DDX6):c.274T>G (p.Ser92Ala)

Gene: DDX6 (DEAD-box helicase 6; minus strand). Cytogenetic location: 11q23.3.
Variant type: single nucleotide variant.
Coding change: c.274T>G on transcript NM_004397.6 (MANE Select); coding-DNA position 274, T replaced by G.
Protein change: p.Ser92Ala; replaces serine 92 with alanine.
Molecular consequence: missense variant. On other transcripts: 5 prime UTR variant (1).
Genome position (GRCh38, 1-based): chr11:118,779,727, A>C on the plus strand (T>G on the coding strand, the complement: DDX6 is on the minus strand). VCF-style: chr11-118779727-A-C. GRCh37 (hg19) VCF-style: chr11-118650436-A-C.
Other names: c.274T>G, p.Ser92Ala (NM_001257191.3, NM_001425145.1, NM_001425146.1 and 7 more transcripts); c.-51T>G (NM_001425154.1); short protein forms S92A.
Identifiers: ClinVar variation 4885676 (VCV004885676.2).
Genomic context (GRCh38, chr11:118,779,727, plus strand): 5'-AAATTCCCATCAGTAACTCCCGTTTCAAACAGTAATCTTCAAACTCATTTCCTTTTGTGG[A>C]GGTCACATCCTAGTCAAACAAAAAGGAACAATAAAAGAATAAATAACACTGTTGGTAAAT-3'
Protein context (NP_004388.2, residues 82-102): DLRIKTSDVT[Ser92Ala]TKGNEFEDYC